The following is an entry in ClinVar:

ClinVar aggregate classification (germline): Pathogenic (1 of 4 stars; one submission).

Allele frequency attached by ClinVar (database versions not stated): gnomAD exomes below 0.00001.
gnomAD v4.1: 1 of 1,614,114 alleles (0.000062%); highest among the groups gnomAD compares: Non-Finnish European, 0.000085%; no homozygotes.

Submission:

Labcorp Genetics (formerly Invitae), Labcorp
Classification: Pathogenic. Last evaluated: 2022-11-18. Review status: criteria provided, single submitter. Criteria: Invitae Variant Classification Sherloc (09022015). Collection method: clinical testing. Allele origin: germline.
Comment: This variant is not present in population databases (gnomAD no frequency). This sequence change creates a premature translational stop signal (p.Gln416*) in the ACBD5 gene. It is expected to result in an absent or disrupted protein product. Loss-of-function variants in ACBD5 are known to be pathogenic (PMID: 23105016, 27799409). This variant has not been reported in the literature in individuals affected with ACBD5-related conditions. For these reasons, this variant has been classified as Pathogenic.

Literature cited by the submitters: PubMed 23105016; PubMed 27799409.

NM_145698.5(ACBD5):c.1246C>T (p.Gln416Ter)

Gene: ACBD5 (acyl-CoA binding domain containing 5; minus strand). Cytogenetic location: 10p12.1.
Variant type: single nucleotide variant.
Coding change: c.1246C>T on transcript NM_145698.5 (MANE Select); coding-DNA position 1246, C replaced by T.
Protein change: p.Gln416Ter; replaces glutamine 416 with a stop codon.
Molecular consequence: nonsense.
Genome position (GRCh38, 1-based): chr10:27,208,404, G>A on the plus strand (C>T on the coding strand, the complement: ACBD5 is on the minus strand). VCF-style: chr10-27208404-G-A. GRCh37 (hg19) VCF-style: chr10-27497333-G-A.
Other names: c.1246C>T, p.Gln416Ter (NM_001352570.1); c.1273C>T, p.Gln425Ter (NM_001352571.1); c.1267C>T, p.Gln423Ter (NM_001352572.1); c.1225C>T, p.Gln409Ter (NM_001352573.1); c.1174C>T, p.Gln392Ter (NM_001352574.2, NM_001352575.2, NM_001352576.2); c.1141C>T, p.Gln381Ter (NM_001352577.2, NM_001042473.4, NM_001352578.2 and 1 more transcripts); c.1042C>T, p.Gln348Ter (NM_001352588.1); c.1240C>T, p.Gln414Ter (NM_001271512.3); and 10 more; short protein forms Q348*, Q363*, Q392*, Q409*, Q416*, Q425*, Q313*, Q359*.
Identifiers: ClinVar variation 2959386 (VCV002959386.3), dbSNP rs2540520556, ClinGen allele CA376373537.